The following is an entry in ClinVar:

NM_004958.4(MTOR):c.7544A>G (p.His2515Arg)

Gene: MTOR (mechanistic target of rapamycin kinase; minus strand). Cytogenetic location: 1p36.22.
Variant type: single nucleotide variant.
Coding change: c.7544A>G on transcript NM_004958.4 (MANE Select); coding-DNA position 7544, A replaced by G.
Protein change: p.His2515Arg; replaces histidine 2515 with arginine.
Molecular consequence: missense variant.
Genome position (GRCh38, 1-based): chr1:11,108,271, T>C on the plus strand (A>G on the coding strand, the complement: MTOR is on the minus strand). VCF-style: chr1-11108271-T-C. GRCh37 (hg19) VCF-style: chr1-11168328-T-C.
Other names: c.7544A>G, p.His2515Arg (NM_001386500.1); c.6296A>G, p.His2099Arg (NM_001386501.1); short protein forms H2099R, H2515R.
Identifiers: ClinVar variation 3633465 (VCV003633465.2).

ClinVar aggregate classification (germline): Uncertain significance (1 of 4 stars; one submission).

gnomAD v4.1: 1 of 1,613,888 alleles (0.000062%); no homozygotes.

Submission:

Labcorp Genetics (formerly Invitae), Labcorp
Classification: Uncertain significance. Last evaluated: 2024-09-09. Review status: criteria provided, single submitter. Criteria: Invitae Variant Classification Sherloc (09022015). Collection method: clinical testing. Allele origin: germline.
Comment: This sequence change replaces histidine, which is basic and polar, with arginine, which is basic and polar, at codon 2515 of the MTOR protein (p.His2515Arg). This variant is not present in population databases (gnomAD no frequency). This variant has not been reported in the literature in individuals affected with MTOR-related conditions. Invitae Evidence Modeling of protein sequence and biophysical properties (such as structural, functional, and spatial information, amino acid conservation, physicochemical variation, residue mobility, and thermodynamic stability) has been performed for this missense variant. However, the output from this modeling did not meet the statistical confidence thresholds required to predict the impact of this variant on MTOR protein function. In summary, the available evidence is currently insufficient to determine the role of this variant in disease. Therefore, it has been classified as a Variant of Uncertain Significance.